The following is an entry in ClinVar:

ClinVar aggregate classification (germline): Likely benign (1 of 4 stars; one submission).

Allele frequency attached by ClinVar (database versions not stated): ExAC 0.00006; gnomAD 0.00006; TOPMed 0.00008; gnomAD exomes 0.00017.
gnomAD v4.1: 250 of 1,614,052 alleles (0.015%); highest among the groups gnomAD compares: Non-Finnish European, 0.02%; no homozygotes.

Submission:

CeGaT Center for Human Genetics Tuebingen
Classification: Likely benign. Last evaluated: 2022-08-01. Review status: criteria provided, single submitter. Criteria: CeGaT Center For Human Genetics Tuebingen Variant Classification Criteria Version 2. Collection method: clinical testing. Allele origin: germline. Affected: yes. Observed: 1 variant allele.
Comment: SPAG5: BP4, BP7

NM_006461.4(SPAG5):c.1353G>A (p.Gln451=)

Gene: SPAG5 (sperm associated antigen 5; minus strand). Cytogenetic location: 17q11.2.
Variant type: single nucleotide variant.
Coding change: c.1353G>A on transcript NM_006461.4 (MANE Select); coding-DNA position 1353, G replaced by A.
Protein change: p.Gln451=; no amino-acid change (glutamine 451 retained).
Molecular consequence: synonymous variant.
Genome position (GRCh38, 1-based): chr17:28,591,782, C>T on the plus strand (G>A on the coding strand, the complement: SPAG5 is on the minus strand). VCF-style: chr17-28591782-C-T. GRCh37 (hg19) VCF-style: chr17-26918800-C-T.
Identifiers: ClinVar variation 2647587 (VCV002647587.24), dbSNP rs202220175, ClinGen allele CA8461455.
Genomic context (GRCh38, chr17:28,591,782, plus strand): 5'-TGTGCTACTGTCCTGGGTTTCTGGGTGAGGGACAGCCAGCTGGCTCTTCCAGTCCCGAAG[C>T]TGGCGGGAGAGAACCTCCAGAATGACAAGAGAGCTCAGCAGGTTATCTTCCAAGTCATGT-3'
Protein context (NP_006452.3, residues 441-461): SLVILEVLSR[Gln451=]LRDWKSQLAV